The following is an entry in ClinVar:

NM_000095.3(COMP):c.517del (p.Ala173fs)

Gene: COMP (cartilage oligomeric matrix protein; minus strand). Cytogenetic location: 19p13.11.
Variant type: Deletion.
Coding change: c.517del on transcript NM_000095.3 (MANE Select); coding-DNA position 517, one base deleted (G; older notation c.517delG).
Protein change: p.Ala173fs; shifts the reading frame from alanine 173.
Molecular consequence: frameshift variant.
Genome position (GRCh38, 1-based): chr19:18,789,171, C deleted on the plus strand (G on the coding strand, the reverse complement: COMP is on the minus strand); the first of 2 consecutive C bases (chr19:18,789,171-18,789,172); deleting either gives the same sequence. VCF-style (leftmost placement, unchanged base first): chr19-18789170-GC-G. GRCh37 (hg19) VCF-style: chr19-18899979-GC-G.
Other names: short protein forms A173fs.
Identifiers: ClinVar variation 3367700 (VCV003367700.1).
Genomic context (GRCh38, chr19:18,789,170, plus strand): 5'-GGACGCCCCCTTCCCTTCTGCTCCAAAAATGGGGCCCCCACACCTCTCACCTGCTTGTTG[GC>G]CTTGGCGAAAGCCAGCCCCACGCCCTGGTGGGTGGGGCCGCTGTACCCCGGCGGGCAAGC-3'

ClinVar aggregate classification (germline): Uncertain significance (1 of 4 stars; one submission).

Submission:

GeneDx
Classification: Uncertain significance. Last evaluated: 2024-01-08. Review status: criteria provided, single submitter. Criteria: GeneDx Variant Classification Process June 2021. Collection method: clinical testing. Allele origin: germline. Affected: yes.
Comment: Frameshift variant predicted to result in protein truncation or nonsense mediated decay in a gene or region of a gene for which loss of function is not a well-established mechanism of disease; Not observed at significant frequency in large population cohorts (gnomAD); Has not been previously published as pathogenic or benign to our knowledge